The following is an entry in ClinVar:

ClinVar aggregate classification (germline): Uncertain significance (1 of 4 stars; one submission).

Conditions:
Epileptic encephalopathy. Identifiers: MedGen C0543888, HP:0200134.

Submission:

Labcorp Genetics (formerly Invitae), Labcorp
Classification: Uncertain significance for Epileptic encephalopathy. Last evaluated: 2024-04-15. Review status: criteria provided, single submitter. Criteria: Invitae Variant Classification Sherloc (09022015). Collection method: clinical testing. Allele origin: germline.
Comment: This sequence change replaces threonine, which is neutral and polar, with alanine, which is neutral and non-polar, at codon 847 of the GABBR2 protein (p.Thr847Ala). This variant is not present in population databases (gnomAD no frequency). This variant has not been reported in the literature in individuals affected with GABBR2-related conditions. An algorithm developed to predict the effect of missense changes on protein structure and function (PolyPhen-2) suggests that this variant is likely to be tolerated. In summary, the available evidence is currently insufficient to determine the role of this variant in disease. Therefore, it has been classified as a Variant of Uncertain Significance.

NM_005458.8(GABBR2):c.2539A>G (p.Thr847Ala)

Gene: GABBR2 (gamma-aminobutyric acid type B receptor subunit 2; minus strand). Cytogenetic location: 9q22.33.
Variant type: single nucleotide variant.
Coding change: c.2539A>G on transcript NM_005458.8 (MANE Select); coding-DNA position 2539, A replaced by G.
Protein change: p.Thr847Ala; replaces threonine 847 with alanine.
Molecular consequence: missense variant.
Genome position (GRCh38, 1-based): chr9:98,299,227, T>C on the plus strand (A>G on the coding strand, the complement: GABBR2 is on the minus strand). VCF-style: chr9-98299227-T-C. GRCh37 (hg19) VCF-style: chr9-101061509-T-C.
Other names: short protein forms T847A.
Identifiers: ClinVar variation 3633111 (VCV003633111.2).
Genomic context (GRCh38, chr9:98,299,227, plus strand): 5'-ACAGCTGGTGTTTGAAACCAAGGTCCCTACCACATTCTGGGGCCCTGGCTCTCTTACCTG[T>C]GCTCTCAGTGAAGTTTCCCAGGTTGAGGATGTCATTGAGCTCTTGGTAGTGGTTCTGTTT-3'
Protein context (NP_005449.5, residues 837-857): ILNLGNFTES[Thr847Ala]DGGKAILKNH